The following is an entry in ClinVar:

ClinVar aggregate classification (germline): Pathogenic/Likely pathogenic. Review status: criteria provided, multiple submitters, no conflicts (2 of 4 stars). 4 submissions from 4 submitters: Pathogenic (1); Likely pathogenic (3). Last evaluated 2025-04-03.

Conditions:
Polycystic kidney disease 2 (PKD2). Also called: POLYCYSTIC KIDNEY DISEASE, ADULT, TYPE II; Polycystic Kidney Disease 2, Autosomal Dominant; POLYCYSTIC KIDNEY DISEASE 2 WITH OR WITHOUT POLYCYSTIC LIVER DISEASE. Identifiers: MedGen C2751306, MONDO:0013131, OMIM 613095.

Submissions (4):

Women's Health and Genetics/Laboratory Corporation of America, LabCorp
Classification: Likely pathogenic for Polycystic kidney disease 2. Last evaluated: 2025-04-03. Review status: criteria provided, single submitter. Criteria: LabCorp Variant Classification Summary - May 2015. Collection method: clinical testing. Allele origin: germline.
Comment: Variant summary: PKD2 c.1549-1G>A is located in a canonical splice-site and is predicted to affect mRNA splicing resulting in a significantly altered protein due to either exon skipping, shortening, or inclusion of intronic material. Variants that disrupt the consensus splice site are a relatively common cause of aberrant splicing and loss of PKD2 function. Several computational tools predict a significant impact on normal splicing: Four predict the variant abolishes a 3' acceptor site. Two predict the variant creates a cryptic 3' acceptor site. However, these predictions have yet to be confirmed by functional studies. The variant was absent in 249376 control chromosomes. c.1549-1G>A has been reported in the literature in individuals affected with Polycystic Kidney Disease 2 (e.g., Lindemann_2023, Mallawaarachchi_2021). To our knowledge, no experimental evidence demonstrating an impact on protein function has been reported. The following publications have been ascertained in the context of this evaluation (PMID: 36938073, 33437033). ClinVar contains an entry for this variant (Variation ID: 972872). Based on the evidence outlined above, the variant was classified as likely pathogenic.

Fulgent Genetics
Classification: Likely pathogenic for Polycystic kidney disease 2. Last evaluated: 2024-01-02. Review status: criteria provided, single submitter. Criteria: ACMG Guidelines, 2015. Collection method: clinical testing. Allele origin: germline.

CeGaT Center for Human Genetics Tuebingen
Classification: Likely pathogenic. Last evaluated: 2022-03-01. Review status: criteria provided, single submitter. Criteria: CeGaT Center For Human Genetics Tuebingen Variant Classification Criteria Version 2. Collection method: clinical testing. Allele origin: germline. Affected: yes. Observed: 1 variant allele.

Molecular Genetics of Inherited Kidney Disorders Laboratory, Garvan Institute of Medical Research
Classification: Pathogenic. Last evaluated: 2019-01-01. Review status: criteria provided, single submitter. Criteria: ACMG Guidelines, 2015. Collection method: clinical testing. Allele origin: germline. Affected: yes.

Literature cited by the submitters: PubMed 33437033 (cited by Women's Health and Genetics/Laboratory Corporation of America, LabCorp); PubMed 36938073 (cited by Women's Health and Genetics/Laboratory Corporation of America, LabCorp).

NM_000297.4(PKD2):c.1549-1G>A

Gene: PKD2 (polycystin 2, transient receptor potential cation channel; plus strand). Cytogenetic location: 4q22.1.
Variant type: single nucleotide variant.
Coding change: c.1549-1G>A on transcript NM_000297.4 (MANE Select); the canonical splice acceptor site of the intron before coding-DNA position 1549, G replaced by A.
Molecular consequence: splice acceptor variant.
Genome position (GRCh38, 1-based): chr4:88,051,990, G>A. VCF-style: chr4-88051990-G-A. GRCh37 (hg19) VCF-style: chr4-88973142-G-A.
Identifiers: ClinVar variation 972872 (VCV000972872.37), dbSNP rs1720121027, ClinGen allele CA357621257.